The following is an entry in ClinVar:

ClinVar aggregate classification (germline): Uncertain significance (1 of 4 stars; one submission).

gnomAD v4.1: 5 of 1,613,366 alleles (0.00031%); highest among the groups gnomAD compares: Non-Finnish European, 0.00042%; no homozygotes.

Submissions (2):

Labcorp Genetics (formerly Invitae), Labcorp
Classification: Uncertain significance. Last evaluated: 2025-04-03. Review status: criteria provided, single submitter. Criteria: Invitae Variant Classification Sherloc (09022015). Collection method: clinical testing. Allele origin: germline.
Comment: This sequence change affects an acceptor splice site in intron 3 of the WNK4 gene. It is expected to disrupt RNA splicing. Variants that disrupt the donor or acceptor splice site typically lead to a loss of protein function (PMID: 16199547), however the current clinical and genetic evidence is not sufficient to establish whether loss-of-function variants in WNK4 cause disease. This variant is present in population databases (rs757703829, gnomAD 0.0009%). This variant has not been reported in the literature in individuals affected with WNK4-related conditions. Algorithms developed to predict the effect of sequence changes on RNA splicing suggest that this variant may disrupt the consensus splice site. In summary, the available evidence is currently insufficient to determine the role of this variant in disease. Therefore, it has been classified as a Variant of Uncertain Significance.

Dr. Peter K. Rogan Lab, Western University
No classification provided (evidence only). Condition: Gastric cancer. Review status: no classification provided. Collection method: in vitro. Allele origin: not applicable. Functional consequence: retained intron. Not counted in ClinVar's aggregate classification.

Literature cited by the submitters: PubMed 16199547 (cited by Labcorp Genetics (formerly Invitae), Labcorp).

NM_032387.5(WNK4):c.1013-1G>A

Genes: WNK4 (WNK lysine deficient protein kinase 4; plus strand), LOC126862568 (CDK7 strongly-dependent group 2 enhancer GRCh37_chr17:40934948-40936147; plus strand). Cytogenetic location: 17q21.2.
Variant type: single nucleotide variant.
Coding change: c.1013-1G>A on transcript NM_032387.5 (MANE Select); the canonical splice acceptor site of the intron before coding-DNA position 1013, G replaced by A.
Molecular consequence: splice acceptor variant.
Genome position (GRCh38, 1-based): chr17:42,784,421, G>A. VCF-style: chr17-42784421-G-A. GRCh37 (hg19) VCF-style: chr17-40936439-G-A.
Other names: NC_000017.10:g.40936439G>A; c.94-1G>A (NM_001321299.2).
Identifiers: ClinVar variation 4421998 (VCV004421998.2).